The following is an entry in ClinVar:

NM_000179.3(MSH6):c.3173-16C>T

Gene: MSH6 (mutS homolog 6; plus strand). Cytogenetic location: 2p16.3.
Variant type: single nucleotide variant.
Coding change: c.3173-16C>T on transcript NM_000179.3 (MANE Select); 16 bases into the intron before coding-DNA position 3173, C replaced by T.
Molecular consequence: intron variant.
Genome position (GRCh38, 1-based): chr2:47,803,404, C>T. VCF-style: chr2-47803404-C-T. GRCh37 (hg19) VCF-style: chr2-48030543-C-T.
Other names: c.2267-16C>T (NM_001281493.2, NM_001281494.2); c.2783-16C>T (NM_001281492.2).
Identifiers: ClinVar variation 491929 (VCV000491929.13), dbSNP rs551949725, ClinGen allele CA070272.
Genomic context (GRCh38, chr2:47,803,404, plus strand): 5'-AAGAAGACCTATAAAACACTTAGGCTGATAAAACCCCCAAACGATGAAGCCTCACTTTTA[C>T]CCTCTCTTTTAACAGATGTTTTACTGTGCCTGGCTAACTATAGTCGAGGGGGTGATGGTC-3'

ClinVar aggregate classification (germline): Likely benign. Review status: criteria provided, multiple submitters, no conflicts (2 of 4 stars). 4 submissions from 4 submitters: Likely benign (4). Last evaluated 2025-12-02.

Conditions:
Hereditary cancer-predisposing syndrome. Also called: Tumor predisposition; Hereditary Cancer Syndrome; Neoplastic Syndromes, Hereditary; Hereditary neoplastic syndrome. Identifiers: Orphanet 140162, MedGen C0027672, MeSH D009386, MONDO:0015356.
Hereditary nonpolyposis colorectal neoplasms. Identifiers: MedGen C0009405, MeSH D003123.
Lynch syndrome 5 (LYNCH5). Also called: Colorectal cancer, hereditary nonpolyposis, type 5; Hereditary non-polyposis colorectal cancer, type 5. Identifiers: Orphanet 144, MedGen C1833477, MONDO:0013710, OMIM 614350. Disease mechanism: loss of function.

Allele frequency attached by ClinVar (database versions not stated): gnomAD 0.00001; TOPMed 0.00001; 1000 Genomes Project 30x 0.00016; 1000 Genomes Project 0.00020; gnomAD exomes below 0.00001; ExAC 0.00001.
gnomAD v4.1: 7 of 1,614,112 alleles (0.00043%); highest among the groups gnomAD compares: Admixed American, 0.0017%; no homozygotes.

Submissions (4):

Labcorp Genetics (formerly Invitae), Labcorp
Classification: Likely benign for Hereditary nonpolyposis colorectal neoplasms. Last evaluated: 2025-12-02. Review status: criteria provided, single submitter. Criteria: Invitae Variant Classification Sherloc (09022015). Collection method: clinical testing. Allele origin: germline.

Myriad Genetics, Inc.
Classification: Likely benign for Lynch syndrome 5. Last evaluated: 2025-01-03. Review status: criteria provided, single submitter. Criteria: Myriad Autosomal Dominant, Autosomal Recessive and X-Linked Classification Criteria (2023). Collection method: clinical testing. Allele origin: unknown.
Comment: This variant is considered likely benign. This variant is intronic and is not expected to impact mRNA splicing.

Blueprint Genetics
Classification: Likely benign. Last evaluated: 2020-10-30. Review status: criteria provided, single submitter. Criteria: ACMG Guidelines, 2015. Collection method: clinical testing. Allele origin: germline.

Color Diagnostics, LLC DBA Color Health
Classification: Likely benign for Hereditary cancer-predisposing syndrome. Last evaluated: 2016-10-17. Review status: criteria provided, single submitter. Criteria: ACMG Guidelines, 2015. Collection method: clinical testing. Allele origin: germline.